The following is an entry in ClinVar:

NM_001166108.2(PALLD):c.166G>C (p.Glu56Gln)

Gene: PALLD (palladin, cytoskeletal associated protein; plus strand). Cytogenetic location: 4q32.3.
Variant type: single nucleotide variant.
Coding change: c.166G>C on transcript NM_001166108.2 (MANE Select); coding-DNA position 166, G replaced by C.
Protein change: p.Glu56Gln; replaces glutamic acid 56 with glutamine.
Molecular consequence: missense variant.
Genome position (GRCh38, 1-based): chr4:168,511,670, G>C. VCF-style: chr4-168511670-G-C. GRCh37 (hg19) VCF-style: chr4-169432821-G-C.
Other names: c.166G>C, p.Glu56Gln (NM_016081.4); short protein forms E56Q.
Identifiers: ClinVar variation 2448495 (VCV002448495.2), dbSNP rs2531428629, ClinGen allele CA358724896.
Genomic context (GRCh38, chr4:168,511,670, plus strand): 5'-CAGGAAGAGATAAACAAGAGTCTTGACCTGGCCCGGAGAGCCATAGCCGACTCCGAAACA[G>C]AAGATTTTGACTCGGAAAAGGAGATCTCGCAGATTTTCAGTACTTCTCCTGCAAGCCTCT-3'
Protein context (NP_001159580.1, residues 46-66): ARRAIADSET[Glu56Gln]DFDSEKEISQ

ClinVar aggregate classification (germline): Uncertain significance (1 of 4 stars; one submission).

Submission:

Ambry Genetics
Classification: Uncertain significance. Last evaluated: 2023-02-17. Review status: criteria provided, single submitter. Criteria: Ambry Variant Classification Scheme 2023. Collection method: clinical testing. Allele origin: germline.
Comment: The p.E56Q variant (also known as c.166G>C), located in coding exon 1 of the PALLD gene, results from a G to C substitution at nucleotide position 166. The glutamic acid at codon 56 is replaced by glutamine, an amino acid with highly similar properties. This amino acid position is conserved. In addition, this alteration is predicted to be tolerated by in silico analysis. Since supporting evidence is limited at this time, the clinical significance of this alteration remains unclear.